The following is an entry in ClinVar:

ClinVar aggregate classification (germline): Uncertain significance (1 of 4 stars; one submission).

gnomAD v4.1: 1 of 1,614,168 alleles (0.000062%); highest among the groups gnomAD compares: African/African-American, 0.0013%; no homozygotes.

Submission:

Ambry Genetics
Classification: Uncertain significance. Last evaluated: 2024-07-05. Review status: criteria provided, single submitter. Criteria: Ambry Variant Classification Scheme 2023. Collection method: clinical testing. Allele origin: germline.
Comment: The p.E128K variant (also known as c.382G>A), located in coding exon 3 of the ALPK2 gene, results from a G to A substitution at nucleotide position 382. The glutamic acid at codon 128 is replaced by lysine, an amino acid with similar properties. This amino acid position is conserved. In addition, this alteration is predicted to be tolerated by in silico analysis. Based on the available evidence, the clinical significance of this variant remains unclear.

NM_052947.4(ALPK2):c.382G>A (p.Glu128Lys)

Gene: ALPK2 (alpha kinase 2; minus strand). Cytogenetic location: 18q21.31.
Variant type: single nucleotide variant.
Coding change: c.382G>A on transcript NM_052947.4 (MANE Select); coding-DNA position 382, G replaced by A.
Protein change: p.Glu128Lys; replaces glutamic acid 128 with lysine.
Molecular consequence: missense variant.
Genome position (GRCh38, 1-based): chr18:58,580,394, C>T on the plus strand (G>A on the coding strand, the complement: ALPK2 is on the minus strand). VCF-style: chr18-58580394-C-T. GRCh37 (hg19) VCF-style: chr18-56247626-C-T.
Other names: short protein forms E128K.
Identifiers: ClinVar variation 3530667 (VCV003530667.1).